The following is an entry in ClinVar:

NM_025099.6(CTC1):c.52G>C (p.Asp18His)

Gene: CTC1 (CST telomere replication complex component 1; minus strand). Cytogenetic location: 17p13.1.
Variant type: single nucleotide variant.
Coding change: c.52G>C on transcript NM_025099.6 (MANE Select); coding-DNA position 52, G replaced by C.
Protein change: p.Asp18His; replaces aspartic acid 18 with histidine.
Molecular consequence: missense variant. On other transcripts: non-coding transcript variant (1).
Genome position (GRCh38, 1-based): chr17:8,243,130, C>G on the plus strand (G>C on the coding strand, the complement: CTC1 is on the minus strand). VCF-style: chr17-8243130-C-G. GRCh37 (hg19) VCF-style: chr17-8146448-C-G.
Other names: short protein forms D18H.
Identifiers: ClinVar variation 936008 (VCV000936008.7), dbSNP rs1988413224, ClinGen allele CA397996804.

ClinVar aggregate classification (germline): Uncertain significance (1 of 4 stars; one submission).

Conditions:
Dyskeratosis congenita. Identifiers: Orphanet 1775, MedGen C0265965, MONDO:0015780.

Allele frequency attached by ClinVar (database versions not stated): TOPMed below 0.00001.

Submission:

Labcorp Genetics (formerly Invitae), Labcorp
Classification: Uncertain significance for Dyskeratosis congenita. Last evaluated: 2020-05-27. Review status: criteria provided, single submitter. Criteria: Invitae Variant Classification Sherloc (09022015). Collection method: clinical testing. Allele origin: germline.
Comment: In summary, the available evidence is currently insufficient to determine the role of this variant in disease. Therefore, it has been classified as a Variant of Uncertain Significance. Algorithms developed to predict the effect of missense changes on protein structure and function are either unavailable or do not agree on the potential impact of this missense change (SIFT: "Tolerated"; PolyPhen-2: "Possibly Damaging"; Align-GVGD: "Class C0"). This variant has not been reported in the literature in individuals with CTC1-related conditions. This variant is not present in population databases (ExAC no frequency). This sequence change replaces aspartic acid with histidine at codon 18 of the CTC1 protein (p.Asp18His). The aspartic acid residue is moderately conserved and there is a moderate physicochemical difference between aspartic acid and histidine.